The following is an entry in ClinVar:

ClinVar aggregate classification (germline): Benign. Review status: criteria provided, multiple submitters, no conflicts (2 of 4 stars). 3 submissions from 3 submitters: Benign (3). Last evaluated 2021-07-14.

Conditions:
Combined immunodeficiency due to DOCK8 deficiency (HIES2). Also called: DOCK8 Deficiency; HIES autosomal recessive; HYPER-IgE SYNDROME 2, AUTOSOMAL RECESSIVE, WITH RECURRENT INFECTIONS; Hyper-IgE recurrent infection syndrome, autosomal recessive; HYPER-IgE RECURRENT INFECTION SYNDROME 2, AUTOSOMAL RECESSIVE. Identifiers: Orphanet 217390, MedGen C4722305, MONDO:0009478, OMIM 243700.

Allele frequency attached by ClinVar (database versions not stated): 1000 Genomes Project 0.20747; gnomAD 0.21365; 1000 Genomes Project 30x 0.21908; TOPMed 0.22132.
gnomAD v4.1: 122,691 of 918,544 alleles (13%); highest among the groups gnomAD compares: African/African-American, 43%; 11,562 homozygotes.

Submissions (3):

Genome-Nilou Lab
Classification: Benign for Combined immunodeficiency due to DOCK8 deficiency. Last evaluated: 2021-07-14. Review status: criteria provided, single submitter. Criteria: ACMG Guidelines, 2015. Collection method: clinical testing. Allele origin: germline. Affected: no.

GeneDx
Classification: Benign. Last evaluated: 2018-06-16. Review status: criteria provided, single submitter. Criteria: GeneDx Variant Classification (06012015). Collection method: clinical testing. Allele origin: germline. Affected: yes.
Comment: This variant is considered likely benign or benign based on one or more of the following criteria: it is a conservative change, it occurs at a poorly conserved position in the protein, it is predicted to be benign by multiple in silico algorithms, and/or has population frequency not consistent with disease.

Breakthrough Genomics
Classification: Benign. Review status: criteria provided, single submitter. Criteria: ACMG Guidelines, 2015. Collection method: not provided. Allele origin: germline. Inheritance: Autosomal recessive inheritance. Affected: yes.

NM_203447.4(DOCK8):c.1423-100G>A

Gene: DOCK8 (dedicator of cytokinesis 8; plus strand). Cytogenetic location: 9p24.3.
Variant type: single nucleotide variant.
Coding change: c.1423-100G>A on transcript NM_203447.4 (MANE Select); 100 bases into the intron before coding-DNA position 1423, G replaced by A.
Molecular consequence: intron variant.
Genome position (GRCh38, 1-based): chr9:338,906, G>A. VCF-style: chr9-338906-G-A. GRCh37 (hg19) VCF-style: chr9-338906-G-A.
Other names: c.1219-100G>A (NM_001193536.2, NM_001190458.2).
Identifiers: ClinVar variation 674420 (VCV000674420.5), dbSNP rs12340920, ClinGen allele CA16352418.
Genomic context (GRCh38, chr9:338,906, plus strand): 5'-AGAAGTGGAGCTCAGTGATTTCAGAGCTGTCTATAATCCTAATTTCTATGAAAGACTTGT[G>A]AGAATAAAACTTAAAGGTAAAAATCTTCCCAGAAATCGTTTGTCCCCAACCCAAGAGTCA-3'